The following is an entry in ClinVar:

ClinVar aggregate classification (germline): Uncertain significance. Review status: criteria provided, multiple submitters, no conflicts (2 of 4 stars). 4 submissions from 4 submitters: Uncertain significance (4). Last evaluated 2026-09-22.

Conditions:
SCN9A-related disorder. Also called: SCN9A-related disorders; SCN9A-related condition.
Inborn genetic diseases. Identifiers: MedGen C0950123, MeSH D030342.
Neuropathy, hereditary sensory and autonomic, type 2A (HSAN2A). Also called: HSAN IIA; ACROOSTEOLYSIS, GIACCAI TYPE; ACROOSTEOLYSIS, NEUROGENIC; MORVAN DISEASE; NEUROPATHY, CONGENITAL SENSORY; NEUROPATHY, HEREDITARY SENSORY RADICULAR, AUTOSOMAL RECESSIVE. Identifiers: Orphanet 970, MedGen C2752089, MONDO:0024309, OMIM 201300.
Generalized epilepsy with febrile seizures plus, type 7 (GEFSP7). Also called: GEFS+, TYPE 7. Identifiers: Orphanet 36387, MedGen C2751778, MONDO:0013470, OMIM 613863.

Allele frequency attached by ClinVar (database versions not stated): gnomAD exomes 0.00003 and 0.00006; gnomAD 0.00005; TOPMed 0.00006; ExAC 0.00007; ESP Exome Variant Server 0.00016.

Submissions (4):

PreventionGenetics, part of Exact Sciences
Classification: Uncertain significance for SCN9A-related condition. Last evaluated: 2026-09-22. Review status: criteria provided, single submitter. Criteria: ACMG Guidelines, 2015. Collection method: clinical testing. Allele origin: germline.
Comment: The SCN9A c.390G>T variant is predicted to result in the amino acid substitution p.Met130Ile. To our knowledge, this variant has not been reported in the literature. This variant is reported in 0.0097% of alleles in individuals of African descent in gnomAD. At this time, the clinical significance of this variant is uncertain due to the absence of conclusive functional and genetic evidence.

Labcorp Genetics (formerly Invitae), Labcorp
Classification: Uncertain significance for Neuropathy, hereditary sensory and autonomic, type 2A; Generalized epilepsy with febrile seizures plus, type 7. Last evaluated: 2026-01-06. Review status: criteria provided, single submitter. Criteria: Invitae Variant Classification Sherloc (09022015). Collection method: clinical testing. Allele origin: germline.
Comment: This sequence change replaces methionine, which is neutral and non-polar, with isoleucine, which is neutral and non-polar, at codon 130 of the SCN9A protein (p.Met130Ile). The frequency data for this variant in the population databases is considered unreliable, as metrics indicate poor data quality at this position in the gnomAD database. This variant has not been reported in the literature in individuals affected with SCN9A-related conditions. ClinVar contains an entry for this variant (Variation ID: 471118). Invitae Evidence Modeling of protein sequence and biophysical properties (such as structural, functional, and spatial information, amino acid conservation, physicochemical variation, residue mobility, and thermodynamic stability) indicates that this missense variant is not expected to disrupt SCN9A protein function with a negative predictive value of 95%. In summary, the available evidence is currently insufficient to determine the role of this variant in disease. Therefore, it has been classified as a Variant of Uncertain Significance.

Ambry Genetics
Classification: Uncertain significance for Inborn genetic diseases. Last evaluated: 2025-12-10. Review status: criteria provided, single submitter. Criteria: Ambry Variant Classification Scheme 2023. Collection method: clinical testing. Allele origin: germline.
Comment: The c.390G>T (p.M130I) alteration is located in exon 4 (coding exon 3) of the SCN9A gene. This alteration results from a G to T substitution at nucleotide position 390, causing the methionine (M) at amino acid position 130 to be replaced by an isoleucine (I). The alteration is rare in population databases: Based on data from the Genome Aggregation Database (gnomAD), the c.390G>T alteration was observed in 0.003% (7/225,804) of total alleles studied. The altered amino acid is conserved throughout evolution: The p.M130 amino acid is well conserved in available vertebrate species; however isoleucine is the reference amino acid in several species. The alteration is predicted benign by in silico models: The p.M130I alteration is predicted to be benign by Polyphen and tolerated by SIFT in silico analyses. Based on insufficient or conflicting evidence, the clinical significance of this alteration remains unclear.

ARUP Laboratories, Molecular Genetics and Genomics, ARUP Laboratories
Classification: Uncertain significance. Last evaluated: 2017-09-11. Review status: criteria provided, single submitter. Criteria: ARUP Molecular Germline Variant Investigation Process. Collection method: clinical testing. Allele origin: germline.
Comment: The c.390G>T; p.Met130Ile variant (rs376036522) has not been reported in the medical literature, nor has it been previously identified by our laboratory. This variant is listed in the Genome Aggregation Database (gnomAD) with an overall population frequency of 0.006 percent (identified on 2 out of 30,944 chromosomes). The methionine at position 130 is highly conserved considering 12 species (Alamut v2.9.0) and computational analyses of the effects of the p.Met130Ile variant on protein structure and function provide conflicting results (SIFT: tolerated, MutationTaster: disease causing, PolyPhen-2: benign). Altogether, there is not enough evidence to classify the p.Met130Ile variant with certainty.

NM_001365536.1(SCN9A):c.390G>T (p.Met130Ile)

Gene: SCN9A (sodium voltage-gated channel alpha subunit 9; minus strand). Cytogenetic location: 2q24.3.
Variant type: single nucleotide variant.
Coding change: c.390G>T on transcript NM_001365536.1 (MANE Select); coding-DNA position 390, G replaced by T.
Protein change: p.Met130Ile; replaces methionine 130 with isoleucine.
Molecular consequence: missense variant.
Genome position (GRCh38, 1-based): chr2:166,306,587, C>A on the plus strand (G>T on the coding strand, the complement: SCN9A is on the minus strand). VCF-style: chr2-166306587-C-A. GRCh37 (hg19) VCF-style: chr2-167163097-C-A.
Other names: c.390G>T, p.Met130Ile (NM_002977.4); short protein forms M130I.
Identifiers: ClinVar variation 471118 (VCV000471118.20), dbSNP rs376036522, ClinGen allele CA1944799.
Genomic context (GRCh38, chr2:166,306,587, plus strand): 5'-GTCCGGTGGGTTATTCATGGTCATAAATATGCAGTTTGTCAGAATAGTGCACATGATGAG[C>A]ATGCTGAATAAGGTAGCTTAGAATCAAGGAACAAAAGAGACGACAGTGGGAATTTGAAAT-3'
Protein context (NP_001352465.1, residues 120-140): IKILVHSLFS[Met130Ile]LIMCTILTNC